The following is an entry in ClinVar:

NM_001692.4(ATP6V1B1):c.841dup (p.Tyr281fs)

Gene: ATP6V1B1 (ATPase H+ transporting V1 subunit B1; plus strand). Cytogenetic location: 2p13.3.
Variant type: Duplication.
Coding change: c.841dup on transcript NM_001692.4 (MANE Select); coding-DNA position 841, one base duplicated (T; older notation c.841dupT).
Protein change: p.Tyr281fs; shifts the reading frame from tyrosine 281.
Molecular consequence: frameshift variant.
Genome position (GRCh38, 1-based): chr2:70,962,832, T duplicated. VCF-style (leftmost placement, unchanged base first): chr2-70962831-C-CT. GRCh37 (hg19) VCF-style: chr2-71189961-C-CT.
Other names: short protein forms Y281fs.
Identifiers: ClinVar variation 4759247 (VCV004759247.2).
Genomic context (GRCh38, chr2:70,962,831, plus strand): 5'-CTCCAGGATCGAGCGGATCATCACCCCGCGCCTGGCGCTGACCACTGCTGAATTCCTTGC[C>CT]TACCAGTGTGAGAAGCATGTGCTGGTCATACTGACGGACATGAGTTCCTATGCAGAGGCC-3'

ClinVar aggregate classification (germline): Pathogenic. Review status: criteria provided, multiple submitters, no conflicts (2 of 4 stars). 2 submissions from 2 submitters: Pathogenic (2). Last evaluated 2026-04-14.

Conditions:
Renal tubular acidosis with progressive nerve deafness. Also called: Distal Renal Tubular Acidosis with Progressive Sensorineural Deafness; RENAL TUBULAR ACIDOSIS, AUTOSOMAL RECESSIVE, WITH PROGRESSIVE NERVE DEAFNESS; RTA WITH PROGRESSIVE NERVE DEAFNESS; renal tubular acidosis, distal, 2, with progressive sensorineural hearing loss. Identifiers: MedGen C0403554, MONDO:0009968, OMIM 267300.

Submissions (2):

Myriad Genetics, Inc.
Classification: Pathogenic for Renal tubular acidosis with progressive nerve deafness. Last evaluated: 2026-04-14. Review status: criteria provided, single submitter. Criteria: Myriad Autosomal Dominant, Autosomal Recessive and X-Linked Classification Criteria (2023). Collection method: clinical testing. Allele origin: unknown.
Comment: NM_001692.3(ATP6V1B1):c.841dupT(Y281Lfs*4) is expected to be pathogenic in the context of distal renal tubular acidosis with deafness, ATP6V1B1-related. This variant is predicted to lead to an abnormal or absent protein product due to the creation of a premature termination codon in ATP6V1B1, a gene where loss-of-function variants are known to be pathogenic. Please note: this variant was assessed in the context of healthy population screening.

Variantyx, Inc.
Classification: Pathogenic for Renal tubular acidosis with progressive nerve deafness. Last evaluated: 2025-03-25. Review status: criteria provided, single submitter. Criteria: Variantyx Assertion Criteria 2022. Collection method: clinical testing. Allele origin: germline. Affected: yes.
Comment: This is a frameshift variant in the ATP6V1B1 gene (OMIM: 192132). Pathogenic variants in this gene have been associated with autosomal recessive distal renal tubular acidosis 2 with progressive sensorineural hearing loss. This variant introduces a premature termination codon in exon 9 out of 14. It is expected to result in loss of function, which is a known disease mechanism for ATP6V1B1 in this disorder (PMID: 9916796, 18368028) (PVS1). This variant is absent from control populations (PM2_Supporting). This variant has not been reported in individuals with ATP6V1B1-related disorders in the databases available for review. Based on the current evidence, this variant is classified as pathogenic for autosomal recessive distal renal tubular acidosis 2 with progressive sensorineural hearing loss.